The following is an entry in ClinVar:

NM_001267550.2(TTN):c.65224dup (p.Ser21742fs)

Genes: TTN (titin; minus strand), TTN-AS1 (TTN antisense RNA 1; plus strand). Cytogenetic location: 2q31.2.
Variant type: Duplication.
Coding change: c.65224dup on transcript NM_001267550.2 (MANE Select); coding-DNA position 65224, one base duplicated (T; older notation c.65224dupT).
Protein change: p.Ser21742fs; shifts the reading frame from serine 21742.
Molecular consequence: frameshift variant.
Genome position (GRCh38, 1-based): chr2:178,584,327, A duplicated on the plus strand (T on the coding strand, the reverse complement: TTN is on the minus strand). VCF-style (leftmost placement, unchanged base first): chr2-178584326-G-GA. GRCh37 (hg19) VCF-style: chr2-179449053-G-GA.
Other names: c.60301dup, p.Ser20101fs (NM_001256850.1); c.38029dup, p.Ser12677fs (NM_003319.4); c.57520dup, p.Ser19174fs (NM_133378.4); c.38404dup, p.Ser12802fs (NM_133432.3); c.38605dup, p.Ser12869fs (NM_133437.4); c.38029dupT (NM_003319.4); short protein forms S12677fs, S12802fs, S20101fs, S12869fs, S21742fs, S19174fs.
Identifiers: ClinVar variation 5031471 (VCV005031471.1).

ClinVar aggregate classification (germline): Likely pathogenic (1 of 4 stars; one submission).

Conditions:
Cardiovascular phenotype. Identifiers: MedGen CN230736.

Submission:

Ambry Genetics
Classification: Likely pathogenic for Cardiovascular phenotype. Last evaluated: 2026-07-13. Review status: criteria provided, single submitter. Criteria: Ambry Variant Classification Scheme 2023. Collection method: clinical testing. Allele origin: germline.
Comment: The c.38029dupT variant, located in coding exon 138 of the TTN gene, results from a duplication of T at nucleotide position 38029, causing a translational frameshift with a predicted alternate stop codon (p.S12677Ffs*18). This exon is located in the A-band region of the N2-B isoform of the titin protein and is constitutively expressed in TTN transcripts (percent spliced in or PSI 100%). This variant is expected to result in loss of function by premature protein truncation or nonsense-mediated mRNA decay. While truncating variants in TTN are present in 1-3% of the general population, truncating variants in the A-band are the most common cause of dilated cardiomyopathy (Herman DS et al. N. Engl. J. Med., 2012 Feb;366:619-28; Roberts AM et al. Sci Transl Med, 2015 Jan;7:270ra6). TTN truncating variants encoded in constitutive exons (PSI >90%) have been found to be significantly associated with DCM regardless of their position in titin (Schafer S et al. Nat. Genet., 2017 01;49:46-53; Akhtar MM et al. Circ Heart Fail, 2020 Oct;13:e006832; Massier M et al. Clin Genet, 2025 Jan). This variant is considered to be rare based on population cohorts in the Genome Aggregation Database (gnomAD). Based on the majority of available evidence to date, this variant is likely to be pathogenic.